The following is an entry in ClinVar:

NM_003611.3(OFD1):c.332del (p.Leu111fs)

Gene: OFD1 (OFD1 centriole and centriolar satellite protein; plus strand). Cytogenetic location: Xp22.2.
Variant type: Deletion.
Coding change: c.332del on transcript NM_003611.3 (MANE Select); coding-DNA position 332, one base deleted (T; older notation c.332delT).
Protein change: p.Leu111fs; shifts the reading frame from leucine 111.
Molecular consequence: frameshift variant. On other transcripts: 5 prime UTR variant (1).
Genome position (GRCh38, 1-based): chrX:13,738,865, T deleted. VCF-style (leftmost placement, unchanged base first): chrX-13738864-CT-C. GRCh37 (hg19) VCF-style: chrX-13756983-CT-C.
Other names: c.332del, p.Leu111fs (NM_001330209.2); c.-214del (NM_001330210.2); short protein forms L111fs.
Identifiers: ClinVar variation 3342903 (VCV003342903.1).

ClinVar aggregate classification (germline): Pathogenic (1 of 4 stars; one submission).

Submission:

GeneDx
Classification: Pathogenic. Last evaluated: 2023-04-05. Review status: criteria provided, single submitter. Criteria: GeneDx Variant Classification Process June 2021. Collection method: clinical testing. Allele origin: germline. Affected: yes.
Comment: Frameshift variant predicted to result in nonsense mediated decay in a gene for which loss of function is a known mechanism of disease; Not observed at significant frequency in large population cohorts (gnomAD); Has not been previously published as pathogenic or benign to our knowledge